The following is an entry in ClinVar:

NM_015610.4(WIPI2):c.624G>A (p.Leu208=)

Gene: WIPI2 (WD repeat domain, phosphoinositide interacting 2; plus strand). Cytogenetic location: 7p22.1.
Variant type: single nucleotide variant.
Coding change: c.624G>A on transcript NM_015610.4 (MANE Select); coding-DNA position 624, G replaced by A.
Protein change: p.Leu208=; no amino-acid change (leucine 208 retained).
Molecular consequence: synonymous variant.
Genome position (GRCh38, 1-based): chr7:5,217,969, G>A. VCF-style: chr7-5217969-G-A. GRCh37 (hg19) VCF-style: chr7-5257600-G-A.
Other names: c.624G>A, p.Leu208= (NM_001033518.2); c.570G>A, p.Leu190= (NM_001033519.2, NM_016003.4); c.447G>A, p.Leu149= (NM_001033520.1); c.192G>A, p.Leu64= (NM_001278299.2); c.624G>A (NM_015610.3).
Identifiers: ClinVar variation 787847 (VCV000787847.5), dbSNP rs61736544, ClinGen allele CA4141785.

ClinVar aggregate classification (germline): Benign. Review status: criteria provided, single submitter (1 of 4 stars). 2 submissions from 2 submitters: Benign (1). 1 of the submissions does not count toward it. Last evaluated 2018-06-05.

Conditions:
WIPI2-related disorder. Also called: WIPI2-related condition.

Allele frequency attached by ClinVar (database versions not stated): gnomAD exomes 0.00087 and 0.00226; ExAC 0.00274; 1000 Genomes Project 30x 0.00734; 1000 Genomes Project 0.00739; gnomAD 0.00946 and 0.01042; TOPMed 0.01054; ESP Exome Variant Server 0.01069.
gnomAD v4.1: 2,756 of 1,614,228 alleles (0.17%); highest among the groups gnomAD compares: African/African-American, 3.3%; 48 homozygotes.

Submissions (2):

Labcorp Genetics (formerly Invitae), Labcorp
Classification: Benign. Last evaluated: 2018-06-05. Review status: criteria provided, single submitter. Criteria: Invitae Variant Classification Sherloc (09022015). Collection method: clinical testing. Allele origin: germline.

PreventionGenetics, part of Exact Sciences
Classification: Benign for WIPI2-related condition. Last evaluated: 2019-12-16. Review status: no assertion criteria provided. Collection method: clinical testing. Allele origin: germline. Not counted in ClinVar's aggregate classification.
Comment: This variant is classified as benign based on ACMG/AMP sequence variant interpretation guidelines (Richards et al. 2015 PMID: 25741868, with internal and published modifications).